The following is an entry in ClinVar:

NM_001369.3(DNAH5):c.2250T>G (p.Ser750Arg)

Genes: DNAH5 (dynein axonemal heavy chain 5; minus strand), DNAH5-AS1 (DNAH5 antisense RNA 1; plus strand). Cytogenetic location: 5p15.2.
Variant type: single nucleotide variant.
Coding change: c.2250T>G on transcript NM_001369.3 (MANE Select); coding-DNA position 2250, T replaced by G.
Protein change: p.Ser750Arg; replaces serine 750 with arginine.
Molecular consequence: missense variant.
Genome position (GRCh38, 1-based): chr5:13,900,215, A>C on the plus strand (T>G on the coding strand, the complement: DNAH5 is on the minus strand). VCF-style: chr5-13900215-A-C. GRCh37 (hg19) VCF-style: chr5-13900324-A-C.
Other names: short protein forms S750R.
Identifiers: ClinVar variation 1304357 (VCV001304357.2), dbSNP rs1458551560, ClinGen allele CA359203267.

ClinVar aggregate classification (germline): Uncertain significance (1 of 4 stars; one submission).

gnomAD v4.1: 1 of 1,613,350 alleles (0.000062%); highest among the groups gnomAD compares: Non-Finnish European, 0.000085%; no homozygotes.

Submission:

GeneDx
Classification: Uncertain significance. Last evaluated: 2021-10-05. Review status: criteria provided, single submitter. Criteria: GeneDx Variant Classification Process June 2021. Collection method: clinical testing. Allele origin: germline. Affected: yes.
Comment: Not observed at significant frequency in large population cohorts (Lek et al., 2016); In silico analysis supports that this missense variant does not alter protein structure/function; Has not been previously published as pathogenic or benign to our knowledge